The following is an entry in ClinVar:

ClinVar aggregate classification (germline): Uncertain significance. Review status: criteria provided, multiple submitters, no conflicts (2 of 4 stars). 2 submissions from 2 submitters: Uncertain significance (2). Last evaluated 2025-05-26.

Conditions:
Hereditary cancer-predisposing syndrome. Also called: Neoplastic Syndromes, Hereditary; Hereditary Cancer Syndrome; Tumor predisposition; Hereditary neoplastic syndrome. Identifiers: Orphanet 140162, MedGen C0027672, MeSH D009386, MONDO:0015356.
Multiple endocrine neoplasia type 4. Also called: MULTIPLE ENDOCRINE NEOPLASIA, TYPE IV. Identifiers: Orphanet 276152, MedGen C1970712, MONDO:0012552, OMIM 610755.

Allele frequency attached by ClinVar (database versions not stated): gnomAD exomes below 0.00001.
gnomAD v4.1: 4 of 1,614,172 alleles (0.00025%); highest among the groups gnomAD compares: Non-Finnish European, 0.00025%; no homozygotes.

Submissions (2):

Ambry Genetics
Classification: Uncertain significance for Hereditary cancer-predisposing syndrome. Last evaluated: 2025-05-26. Review status: criteria provided, single submitter. Criteria: Ambry Variant Classification Scheme 2023. Collection method: clinical testing. Allele origin: germline.
Comment: The p.P26S variant (also known as c.76C>T), located in coding exon 1 of the CDKN1B gene, results from a C to T substitution at nucleotide position 76. The proline at codon 26 is replaced by serine, an amino acid with similar properties. This amino acid position is conserved. In addition, this alteration is predicted to be tolerated by in silico analysis. Based on the available evidence, the clinical significance of this variant remains unclear.

Labcorp Genetics (formerly Invitae), Labcorp
Classification: Uncertain significance for Multiple endocrine neoplasia type 4. Last evaluated: 2022-09-24. Review status: criteria provided, single submitter. Criteria: Invitae Variant Classification Sherloc (09022015). Collection method: clinical testing. Allele origin: germline.
Comment: In summary, the available evidence is currently insufficient to determine the role of this variant in disease. Therefore, it has been classified as a Variant of Uncertain Significance. This sequence change replaces proline, which is neutral and non-polar, with serine, which is neutral and polar, at codon 26 of the CDKN1B protein (p.Pro26Ser). This variant is not present in population databases (gnomAD no frequency). This variant has not been reported in the literature in individuals affected with CDKN1B-related conditions. Algorithms developed to predict the effect of missense changes on protein structure and function are either unavailable or do not agree on the potential impact of this missense change (SIFT: "Deleterious"; PolyPhen-2: "Benign"; Align-GVGD: "Class C65").

NM_004064.5(CDKN1B):c.76C>T (p.Pro26Ser)

Gene: CDKN1B (cyclin dependent kinase inhibitor 1B; plus strand). Cytogenetic location: 12p13.1.
Variant type: single nucleotide variant.
Coding change: c.76C>T on transcript NM_004064.5 (MANE Select); coding-DNA position 76, C replaced by T.
Protein change: p.Pro26Ser; replaces proline 26 with serine.
Molecular consequence: missense variant.
Genome position (GRCh38, 1-based): chr12:12,717,915, C>T. VCF-style: chr12-12717915-C-T. GRCh37 (hg19) VCF-style: chr12-12870849-C-T.
Other names: c.76C>T (NM_004064.3); short protein forms P26S.
Identifiers: ClinVar variation 2055319 (VCV002055319.5), dbSNP rs2136355486, ClinGen allele CA383968371.